The following is an entry in ClinVar:

NM_024334.3(TMEM43):c.674del (p.Phe225fs)

Gene: TMEM43 (transmembrane protein 43; plus strand). Cytogenetic location: 3p25.1.
Variant type: Deletion.
Coding change: c.674del on transcript NM_024334.3 (MANE Select); coding-DNA position 674, one base deleted (T; older notation c.674delT).
Protein change: p.Phe225fs; shifts the reading frame from phenylalanine 225.
Molecular consequence: frameshift variant.
Genome position (GRCh38, 1-based): chr3:14,134,860, T deleted; the last of 5 consecutive T bases (chr3:14,134,856-14,134,860); deleting any one gives the same sequence. VCF-style (leftmost placement, unchanged base first): chr3-14134855-CT-C. GRCh37 (hg19) VCF-style: chr3-14176355-CT-C.
Other names: short protein forms F225fs.
Identifiers: ClinVar variation 1005057 (VCV001005057.6), dbSNP rs1559361774, ClinGen allele CA1346970505.

ClinVar aggregate classification (germline): Uncertain significance (1 of 4 stars; one submission).

Conditions:
Arrhythmogenic right ventricular dysplasia 5. Also called: Arrhythmogenic Right Ventricular Dysplasia/Cardiomyopathy 5; ARRHYTHMOGENIC RIGHT VENTRICULAR DYSPLASIA, FAMILIAL, 5. Identifiers: MedGen C1858379, MONDO:0011459, OMIM 604400.

Submission:

Labcorp Genetics (formerly Invitae), Labcorp
Classification: Uncertain significance for Arrhythmogenic right ventricular dysplasia 5. Last evaluated: 2020-08-16. Review status: criteria provided, single submitter. Criteria: Invitae Variant Classification Sherloc (09022015). Collection method: clinical testing. Allele origin: germline.
Comment: This sequence change creates a premature translational stop signal (p.Phe225Serfs*24) in the TMEM43 gene. It is expected to result in an absent or disrupted protein product. This variant is not present in population databases (ExAC no frequency). This variant has not been reported in the literature in individuals with TMEM43-related conditions. The current clinical and genetic evidence is not sufficient to establish whether loss-of-function variants in TMEM43 cause disease. In summary, the available evidence is currently insufficient to determine the role of this variant in disease. Therefore, it has been classified as a Variant of Uncertain Significance.